The following is an entry in ClinVar:

ClinVar aggregate classification (germline): Pathogenic/Likely pathogenic. Review status: criteria provided, multiple submitters, no conflicts (2 of 4 stars). 4 submissions from 4 submitters: Pathogenic (2); Likely pathogenic (2). Last evaluated 2025-10-01.

Conditions:
Morquio syndrome. Also called: Mucopolysaccharidosis, Type IV; MPS IV; Mucopolysaccharidosis type 4; Eccentrochondrodysplasia. Identifiers: Orphanet 582, MedGen C0026707, MONDO:0018938.
Mucopolysaccharidosis, MPS-IV-A (MPS4A). Also called: Mucopolysaccharidosis type IV A; Mucopolysaccharidosis Type IVA; Morquio syndrome A, mild; MORQUIO SYNDROME A; MPS IVA; mucopolysaccharidosis type 4A. Identifiers: Orphanet 309297, Orphanet 582, MedGen C0086651, MONDO:0009659, OMIM 253000.

Allele frequency attached by ClinVar (database versions not stated): ExAC 0.00001; gnomAD 0.00001; gnomAD exomes 0.00001; TOPMed 0.00001.
gnomAD v4.1: 5 of 1,613,860 alleles (0.00031%); highest among the groups gnomAD compares: East Asian, 0.0045%; no homozygotes.

Submissions (4):

Labcorp Genetics (formerly Invitae), Labcorp
Classification: Pathogenic for Mucopolysaccharidosis, MPS-IV-A. Last evaluated: 2025-10-01. Review status: criteria provided, single submitter. Criteria: Invitae Variant Classification Sherloc (09022015). Collection method: clinical testing. Allele origin: germline.
Comment: This sequence change replaces proline, which is neutral and non-polar, with threonine, which is neutral and polar, at codon 151 of the GALNS protein (p.Pro151Thr). This variant is present in population databases (rs781439830, gnomAD 0.01%). This missense change has been observed in individual(s) with mucopolysaccharidosis type IVA (PMID: 23227063, 30458289). ClinVar contains an entry for this variant (Variation ID: 321205). Invitae Evidence Modeling of protein sequence and biophysical properties (such as structural, functional, and spatial information, amino acid conservation, physicochemical variation, residue mobility, and thermodynamic stability) indicates that this missense variant is expected to disrupt GALNS protein function with a positive predictive value of 95%. For these reasons, this variant has been classified as Pathogenic.

Women's Health and Genetics/Laboratory Corporation of America, LabCorp
Classification: Pathogenic for Morquio syndrome. Last evaluated: 2023-07-26. Review status: criteria provided, single submitter. Criteria: LabCorp Variant Classification Summary - May 2015. Collection method: clinical testing. Allele origin: germline.
Comment: Variant summary: GALNS c.451C>A (p.Pro151Thr) results in a non-conservative amino acid change located in the Sulfatase, N-terminal domain (IPR000917) of the encoded protein sequence. Five of five in-silico tools predict a damaging effect of the variant on protein function. The variant allele was found at a frequency of 8e-06 in 251210 control chromosomes (gnomAD). c.451C>A has been reported in the literature in multiple individuals affected with Mucopolysaccharidosis Type IVA (Morquio Syndrome A) (examples: Lee_2012, Uttarilli_2019, Lee_2022). These data indicate that the variant is very likely to be associated with disease. The following publications have been ascertained in the context of this evaluation (PMID: 23227063, 30408610, 35782601). Three submitters have cited clinical-significance assessments for this variant to ClinVar after 2014. All submitters classified the variant as pathogenic/likely pathogenic. Based on the evidence outlined above, the variant was classified as pathogenic.

Laboratory of Diagnosis and Therapy of Lysosomal Disorders, University of Padova
Classification: Likely pathogenic for Mucopolysaccharidosis, MPS-IV-A. Last evaluated: 2021-02-01. Review status: criteria provided, single submitter. Criteria: ACMG Guidelines, 2015. Collection method: curation. Allele origin: germline. Affected: yes.
Comment: The prevalence of the variant in affected individuals is significantly increased compared with the prevalence in controls (PS4_strong); very low frequency in gnomAD v2.1.1 (PM2_moderate); multiple lines of computational evidence support a deleterious effect on the gene (PP3_supporting)

Illumina Laboratory Services, Illumina
Classification: Likely pathogenic for Mucopolysaccharidosis, MPS-IV-A. Last evaluated: 2017-04-27. Review status: criteria provided, single submitter. Criteria: ICSL Variant Classification Criteria 09 May 2019. Collection method: clinical testing. Allele origin: germline.
Comment: The GALNS c.451C>A (p.Pro151Thr) missense variant has been reported in two studies in which it is found in a total of six patients with mucopolysaccharidosis (MPS) type IV-A from four Korean families (Lee et al. 2012; Park et al. 2013). All six patients were compound heterozygous for the p.Pro151Thr variant and presented with a severe phenotype. Cho et al. (2014) report that the p.Pro151Thr variant is the most common variant in individuals from Korea with MPS type IV, accounting for 33% of disease-associated alleles. The p.Pro151Thr variant was absent from 50 controls and is reported at a frequency of 0.00012 in the East Asian population of the Exome Aggregation Consortium, but this is based on one allele only in a region of good sequence coverage, so the variant is presumed rare. Functional studies in patient leukocytes demonstrated a reduction in protein levels and GALNS activity to less than 20% of wildtype (Lee et al. 2012). Based on the evidence, the p.Pro151Thr variant is classified as pathogenic for mucopolysaccharidosis type IV. This variant was observed by ICSL as part of a predisposition screen in an ostensibly healthy population.

Literature cited by the submitters: PubMed 23227063 (cited by 4 submitters); PubMed 30458289 (cited by Labcorp Genetics (formerly Invitae), Labcorp and Laboratory of Diagnosis and Therapy of Lysosomal Disorders, University of Padova); PubMed 30408610 (cited by Women's Health and Genetics/Laboratory Corporation of America, LabCorp); PubMed 35782601 (cited by Women's Health and Genetics/Laboratory Corporation of America, LabCorp); PubMed 23401410 (cited by Laboratory of Diagnosis and Therapy of Lysosomal Disorders, University of Padova and Illumina Laboratory Services, Illumina); PubMed 34387910 (cited by Laboratory of Diagnosis and Therapy of Lysosomal Disorders, University of Padova); PubMed 25364648 (cited by Illumina Laboratory Services, Illumina).

NM_000512.5(GALNS):c.451C>A (p.Pro151Thr)

Gene: GALNS (galactosamine (N-acetyl)-6-sulfatase; minus strand). Cytogenetic location: 16q24.3.
Variant type: single nucleotide variant.
Coding change: c.451C>A on transcript NM_000512.5 (MANE Select); coding-DNA position 451, C replaced by A.
Protein change: p.Pro151Thr; replaces proline 151 with threonine.
Molecular consequence: missense variant. On other transcripts: 5 prime UTR variant (1).
Genome position (GRCh38, 1-based): chr16:88,837,737, G>T on the plus strand (C>A on the coding strand, the complement: GALNS is on the minus strand). VCF-style: chr16-88837737-G-T. GRCh37 (hg19) VCF-style: chr16-88904145-G-T.
Other names: c.-105C>A (NM_001323543.2); c.469C>A, p.Pro157Thr (NM_001323544.2); short protein forms P151T, P157T.
Identifiers: ClinVar variation 321205 (VCV000321205.17), dbSNP rs781439830, ClinGen allele CA8235133.
Genomic context (GRCh38, chr16:88,837,737, plus strand): 5'-CATAAGGTCCAAAGTGGCAGTTGGGGGATCCAAACCACTCATCAAATCCGTGCTTCAGGG[G>T]GTGGAACTGGGGCCTGTGACCCAGATGCCTGGAAACAGGAACCCAGGACACTTCAGGGAC-3'
Protein context (NP_000503.1, residues 141-161): WHLGHRPQFH[Pro151Thr]LKHGFDEWFG